The following is an entry in ClinVar:

NM_003200.5(TCF3):c.878_880del (p.Phe293del)

Gene: TCF3 (transcription factor 3; minus strand). Cytogenetic location: 19p13.3.
Variant type: Deletion.
Coding change: c.878_880del on transcript NM_003200.5 (MANE Select); coding-DNA positions 878 to 880, 3 bases deleted (TCT; older notation c.878_880delTCT).
Protein change: p.Phe293del; deletes phenylalanine 293.
Molecular consequence: inframe deletion.
Genome position (GRCh38, 1-based): chr19:1,621,913-1,621,915, AGA deleted on the plus strand (TCT on the coding strand, the reverse complement: TCF3 is on the minus strand); deleting any 3 consecutive bases within chr19:1,621,913-1,621,917 gives the same sequence; the c. name uses the placement nearest the transcript's 3' end. VCF-style (leftmost placement, unchanged base first): chr19-1621912-GAGA-G. GRCh37 (hg19) VCF-style: chr19-1621911-GAGA-G.
Other names: c.878_880del, p.Phe293del (NM_001136139.4, NM_001351778.2, NM_001351779.2); short protein forms F293del.
Identifiers: ClinVar variation 2067078 (VCV002067078.4), dbSNP rs748560717, ClinGen allele CA9050187.

ClinVar aggregate classification (germline): Uncertain significance (1 of 4 stars; one submission).

Submission:

Labcorp Genetics (formerly Invitae), Labcorp
Classification: Uncertain significance. Last evaluated: 2025-08-17. Review status: criteria provided, single submitter. Criteria: Invitae Variant Classification Sherloc (09022015). Collection method: clinical testing. Allele origin: germline.
Comment: This variant, c.878_880del, results in the deletion of 1 amino acid(s) of the TCF3 protein (p.Phe293del), but otherwise preserves the integrity of the reading frame. This variant is present in population databases (rs748560717, gnomAD 0.008%). This variant has not been reported in the literature in individuals affected with TCF3-related conditions. ClinVar contains an entry for this variant (Variation ID: 2067078). Experimental studies and prediction algorithms are not available or were not evaluated, and the functional significance of this variant is currently unknown. In summary, the available evidence is currently insufficient to determine the role of this variant in disease. Therefore, it has been classified as a Variant of Uncertain Significance.